The following is an entry in ClinVar:

NM_001083962.2(TCF4):c.1487G>C (p.Gly496Ala)

Gene: TCF4 (transcription factor 4; minus strand). Cytogenetic location: 18q21.2.
Variant type: single nucleotide variant.
Coding change: c.1487G>C on transcript NM_001083962.2 (MANE Select); coding-DNA position 1487, G replaced by C.
Protein change: p.Gly496Ala; replaces glycine 496 with alanine.
Molecular consequence: missense variant.
Genome position (GRCh38, 1-based): chr18:55,232,671, C>G on the plus strand (G>C on the coding strand, the complement: TCF4 is on the minus strand). VCF-style: chr18-55232671-C-G. GRCh37 (hg19) VCF-style: chr18-52899902-C-G.
Other names: c.1793G>C, p.Gly598Ala (NM_001243226.3); c.1415G>C, p.Gly472Ala (NM_001243227.2, NM_001306207.1, NM_001369582.1 and 5 more transcripts); c.1505G>C, p.Gly502Ala (NM_001243228.2); c.1478G>C, p.Gly493Ala (NM_001243230.2); c.1361G>C, p.Gly454Ala (NM_001243231.2, NM_001348211.2); c.1274G>C, p.Gly425Ala (NM_001243232.1, NM_001306208.1); c.1097G>C, p.Gly366Ala (NM_001243233.2, NM_001330605.3, NM_001348212.2 and 1 more transcripts); c.1007G>C, p.Gly336Ala (NM_001243234.2, NM_001243235.2, NM_001243236.2 and 1 more transcripts); and 6 more; short protein forms G493A, G502A, G598A, G454A, G473A, G495A, G496A, G280A.
Identifiers: ClinVar variation 1492586 (VCV001492586.8), dbSNP rs2144597295, ClinGen allele CA402530282.

ClinVar aggregate classification (germline): Uncertain significance (1 of 4 stars; one submission).

Conditions:
Pitt-Hopkins syndrome (PTHS). Also called: ENCEPHALOPATHY, SEVERE EPILEPTIC, WITH AUTONOMIC DYSFUNCTION; MENTAL RETARDATION, SYNDROMAL, WITH INTERMITTENT HYPERVENTILATION. Identifiers: Orphanet 2896, MedGen C1970431, MONDO:0012589, OMIM 610954.

Submission:

Labcorp Genetics (formerly Invitae), Labcorp
Classification: Uncertain significance for Pitt-Hopkins syndrome. Last evaluated: 2020-12-10. Review status: criteria provided, single submitter. Criteria: Invitae Variant Classification Sherloc (09022015). Collection method: clinical testing. Allele origin: germline.
Comment: In summary, the available evidence is currently insufficient to determine the role of this variant in disease. Therefore, it has been classified as a Variant of Uncertain Significance. Algorithms developed to predict the effect of sequence changes on RNA splicing suggest that this variant may disrupt the consensus splice site, but this prediction has not been confirmed by published transcriptional studies. Algorithms developed to predict the effect of missense changes on protein structure and function (SIFT, PolyPhen-2, Align-GVGD) all suggest that this variant is likely to be tolerated, but these predictions have not been confirmed by published functional studies and their clinical significance is uncertain. This variant has not been reported in the literature in individuals with TCF4-related conditions. This variant is not present in population databases (ExAC no frequency). This sequence change replaces glycine with alanine at codon 496 of the TCF4 protein (p.Gly496Ala). The glycine residue is moderately conserved and there is a small physicochemical difference between glycine and alanine.